The following is an entry in ClinVar:

ClinVar aggregate classification (germline): Pathogenic. Review status: reviewed by expert panel (3 of 4 stars). 4 submissions from 4 submitters: Pathogenic (1). 3 of the submissions do not count toward it. Last evaluated 2023-08-04.

Conditions:
CDH1-related diffuse gastric and lobular breast cancer syndrome. Also called: CDH1-related diffuse gastric and lobular breast cancer. Identifiers: MedGen CN311521, MONDO:0100488.
Hereditary cancer-predisposing syndrome. Also called: Tumor predisposition; Neoplastic Syndromes, Hereditary; Hereditary Cancer Syndrome; Hereditary neoplastic syndrome. Identifiers: Orphanet 140162, MedGen C0027672, MeSH D009386, MONDO:0015356.
Hereditary diffuse gastric adenocarcinoma (HDGC). Also called: DIFFUSE GASTRIC AND LOBULAR BREAST CANCER SYNDROME. Identifiers: Orphanet 26106, MedGen C1708349, MONDO:0007648, OMIM 137215.

Submissions (4):

Clingen Gastric Cancer Variant Curation Expert Panel
Classification: Pathogenic for CDH1-related diffuse gastric and lobular breast cancer syndrome. Last evaluated: 2023-08-04. Review status: reviewed by expert panel. Criteria: ClinGen CDH1 ACMG Specifications V3.1. Collection method: curation. Allele origin: germline. Inheritance: Autosomal dominant inheritance.
Comment: The c.1569T>A p.(Tyr523Ter) variant is predicted to result in a premature stop codon that leads to nonsense mediate decay (PVS1 and PM5_supporting). The variant is absent in the gnomAD cohort (PM2_supporting). Therefore, this variant meets criteria to be classified as pathogenic based on the ACMG/AMP criteria applied as specified by the CDH1 Variant Curation Expert Panel (CDH1 VCEP specifications version 3.1): PVS1, PM2_supporting, PM5_supporting.

Labcorp Genetics (formerly Invitae), Labcorp
Classification: Pathogenic for Hereditary diffuse gastric adenocarcinoma. Last evaluated: 2025-11-09. Review status: criteria provided, single submitter. Criteria: Invitae Variant Classification Sherloc (09022015). Collection method: clinical testing. Allele origin: germline. Not counted in ClinVar's aggregate classification.
Comment: This sequence change creates a premature translational stop signal (p.Tyr523*) in the CDH1 gene. It is expected to result in an absent or disrupted protein product. Loss-of-function variants in CDH1 are known to be pathogenic (PMID: 15235021, 20373070). This variant is not present in population databases (gnomAD no frequency). This variant has not been reported in the literature in individuals affected with CDH1-related conditions. ClinVar contains an entry for this variant (Variation ID: 479518). For these reasons, this variant has been classified as Pathogenic.

Ambry Genetics
Classification: Pathogenic for Hereditary cancer-predisposing syndrome. Last evaluated: 2024-12-09. Review status: criteria provided, single submitter. Criteria: Ambry Variant Classification Scheme 2023. Collection method: clinical testing. Allele origin: germline. Not counted in ClinVar's aggregate classification.
Comment: The p.Y523* pathogenic mutation (also known as c.1569T>A), located in coding exon 11 of the CDH1 gene, results from a T to A substitution at nucleotide position 1569. This changes the amino acid from a tyrosine to a stop codon within coding exon 11. This alteration is expected to result in loss of function by premature protein truncation or nonsense-mediated mRNA decay. As such, this alteration is interpreted as a disease-causing mutation.

Myriad Genetics, Inc.
Classification: Pathogenic for Hereditary diffuse gastric adenocarcinoma. Last evaluated: 2023-11-07. Review status: criteria provided, single submitter. Criteria: Myriad Autosomal Dominant, Autosomal Recessive and X-Linked Classification Criteria (2023). Collection method: clinical testing. Allele origin: unknown. Not counted in ClinVar's aggregate classification.
Comment: This variant is considered pathogenic. This variant creates a termination codon and is predicted to result in premature protein truncation.

Literature cited by the submitters: PubMed 15235021 (cited by Labcorp Genetics (formerly Invitae), Labcorp); PubMed 20373070 (cited by Labcorp Genetics (formerly Invitae), Labcorp).

NM_004360.5(CDH1):c.1569T>A (p.Tyr523Ter)

Gene: CDH1 (cadherin 1; plus strand). Cytogenetic location: 16q22.1.
Variant type: single nucleotide variant.
Coding change: c.1569T>A on transcript NM_004360.5 (MANE Select); coding-DNA position 1569, T replaced by A.
Protein change: p.Tyr523Ter; replaces tyrosine 523 with a stop codon.
Molecular consequence: nonsense. On other transcripts: intron variant (1).
Genome position (GRCh38, 1-based): chr16:68,819,283, T>A. VCF-style: chr16-68819283-T-A. GRCh37 (hg19) VCF-style: chr16-68853186-T-A.
Other names: c.1386T>A, p.Tyr462Ter (NM_001317184.2); c.21T>A, p.Tyr7Ter (NM_001317185.2); c.-254-2718T>A (NM_001317186.2); c.1569T>A (LRG_301t1); short protein forms Y523*, Y7*, Y462*.
Identifiers: ClinVar variation 479518 (VCV000479518.17), dbSNP rs876659716, ClinGen allele CA396464802.